The following is an entry in ClinVar:

NM_002085.5(GPX4):c.552G>T (p.Glu184Asp)

Gene: GPX4 (glutathione peroxidase 4; plus strand). Cytogenetic location: 19p13.3.
Variant type: single nucleotide variant.
Coding change: c.552G>T on transcript NM_002085.5 (MANE Select); coding-DNA position 552, G replaced by T.
Protein change: p.Glu184Asp; replaces glutamic acid 184 with aspartic acid.
Molecular consequence: missense variant. On other transcripts: nonsense (1).
Genome position (GRCh38, 1-based): chr19:1,106,450, G>T. VCF-style: chr19-1106450-G-T. GRCh37 (hg19) VCF-style: chr19-1106449-G-T.
Other names: c.574G>T, p.Gly192Ter (NM_001039847.3); c.663G>T, p.Glu221Asp (NM_001039848.4); c.471G>T, p.Glu157Asp (NM_001367832.1); c.663G>T (NM_001039848.1); short protein forms G192*, E157D, E221D, E184D.
Identifiers: ClinVar variation 1397358 (VCV001397358.5), dbSNP rs747058722, ClinGen allele CA9037484.

ClinVar aggregate classification (germline): Uncertain significance. Review status: criteria provided, multiple submitters, no conflicts (2 of 4 stars). 2 submissions from 2 submitters: Uncertain significance (2). Last evaluated 2023-10-03.

Conditions:
Inborn genetic diseases. Identifiers: MedGen C0950123, MeSH D030342.

Allele frequency attached by ClinVar (database versions not stated): gnomAD 0.00001 and 0.00005; TOPMed 0.00007; gnomAD exomes 0.00013 and 0.00020; ExAC 0.00020.
gnomAD v4.1: 197 of 1,613,418 alleles (0.012%); highest among the groups gnomAD compares: South Asian, 0.16%; no homozygotes.

Submissions (2):

Labcorp Genetics (formerly Invitae), Labcorp
Classification: Uncertain significance. Last evaluated: 2023-10-03. Review status: criteria provided, single submitter. Criteria: Invitae Variant Classification Sherloc (09022015). Collection method: clinical testing. Allele origin: germline.
Comment: This sequence change replaces glutamic acid, which is acidic and polar, with aspartic acid, which is acidic and polar, at codon 221 of the GPX4 protein (p.Glu221Asp). This variant is present in population databases (rs747058722, gnomAD 0.1%). This variant has not been reported in the literature in individuals affected with GPX4-related conditions. ClinVar contains an entry for this variant (Variation ID: 1397358). Experimental studies and prediction algorithms are not available or were not evaluated, and the functional significance of this variant is currently unknown. In summary, the available evidence is currently insufficient to determine the role of this variant in disease. Therefore, it has been classified as a Variant of Uncertain Significance.

Ambry Genetics
Classification: Uncertain significance for Inborn genetic diseases. Last evaluated: 2021-10-26. Review status: criteria provided, single submitter. Criteria: Ambry Variant Classification Scheme 2023. Collection method: clinical testing. Allele origin: germline.